The following is an entry in ClinVar:

NM_057176.3(BSND):c.262G>A (p.Glu88Lys)

Gene: BSND (barttin CLCNK type accessory subunit beta; plus strand). Cytogenetic location: 1p32.3.
Variant type: single nucleotide variant.
Coding change: c.262G>A on transcript NM_057176.3 (MANE Select); coding-DNA position 262, G replaced by A.
Protein change: p.Glu88Lys; replaces glutamic acid 88 with lysine.
Molecular consequence: missense variant.
Genome position (GRCh38, 1-based): chr1:55,005,106, G>A. VCF-style: chr1-55005106-G-A. GRCh37 (hg19) VCF-style: chr1-55470779-G-A.
Other names: short protein forms E88K.
Identifiers: ClinVar variation 3907736 (VCV003907736.1).
Genomic context (GRCh38, chr1:55,005,106, plus strand): 5'-GACTTTCAAGGCATCCTCTCCCCAAAGGCCATGGGCCTGCTGGAGAATGGGCTTGCTGCC[G>A]AGATGAAGAGGTAGGTGCCAGGCCCTCTCGGGAGGGGAGGAGTAAGCCCCATAGGCCAGT-3'
Protein context (NP_476517.1, residues 78-98): MGLLENGLAA[Glu88Lys]MKSPSPQPPY

ClinVar aggregate classification (germline): Uncertain significance (1 of 4 stars; one submission).

gnomAD v4.1: 9 of 1,614,020 alleles (0.00056%); highest among the groups gnomAD compares: African/African-American, 0.0053%; no homozygotes.

Submission:

GeneDx
Classification: Uncertain significance. Last evaluated: 2024-12-31. Review status: criteria provided, single submitter. Criteria: GeneDx Variant Classification Process June 2021. Collection method: clinical testing. Allele origin: germline. Affected: yes.
Comment: In silico analysis indicates that this missense variant does not alter protein structure/function; Has not been previously published as pathogenic or benign in association with BSND-related Bartter syndrome to our knowledge; This variant is associated with the following publications: (PMID: 23911319)